The following is an entry in ClinVar:

NM_003872.3(NRP2):c.234C>T (p.Ile78=)

Gene: NRP2 (neuropilin 2; plus strand). Cytogenetic location: 2q33.3.
Variant type: single nucleotide variant.
Coding change: c.234C>T on transcript NM_003872.3 (MANE Select); coding-DNA position 234, C replaced by T.
Protein change: p.Ile78=; no amino-acid change (isoleucine 78 retained).
Molecular consequence: synonymous variant.
Genome position (GRCh38, 1-based): chr2:205,697,704, C>T. VCF-style: chr2-205697704-C-T. GRCh37 (hg19) VCF-style: chr2-206562428-C-T.
Other names: c.234C>T, p.Ile78= (NM_018534.4, NM_201264.2, NM_201266.2 and 2 more transcripts).
Identifiers: ClinVar variation 3044304 (VCV003044304.2), dbSNP rs1435124991, ClinGen allele CA430911035.

ClinVar aggregate classification (germline): Likely benign (0 of 4 stars; one submission).

Conditions:
NRP2-related disorder. Also called: NRP2-related condition.

Allele frequency attached by ClinVar (database versions not stated): gnomAD 0.00002; TOPMed 0.00002.
gnomAD v4.1: 28 of 1,613,870 alleles (0.0017%); highest among the groups gnomAD compares: East Asian, 0.0045%; no homozygotes.

Submission:

PreventionGenetics, part of Exact Sciences
Classification: Likely benign for NRP2-related condition. Last evaluated: 2023-02-03. Review status: no assertion criteria provided. Collection method: clinical testing. Allele origin: germline.
Comment: This variant is classified as likely benign based on ACMG/AMP sequence variant interpretation guidelines (Richards et al. 2015 PMID: 25741868, with internal and published modifications).